The following is an entry in ClinVar:

ClinVar aggregate classification (germline): Pathogenic/Likely pathogenic. Review status: criteria provided, multiple submitters, no conflicts (2 of 4 stars). 2 submissions from 2 submitters: Pathogenic (1); Likely pathogenic (1). Last evaluated 2024-02-01.

Conditions:
Familial cancer of breast. Also called: BREAST CANCER, FAMILIAL; Hereditary breast cancer; hereditary breast carcinoma. Identifiers: Orphanet 227535, MedGen C0346153, MONDO:0016419, OMIM 114480. Disease mechanism: loss of function.

Allele frequency attached by ClinVar (database versions not stated): gnomAD exomes below 0.00001.
gnomAD v4.1: 1 of 1,612,770 alleles (0.000062%); highest among the groups gnomAD compares: Non-Finnish European, 0.000085%; no homozygotes.

Submissions (2):

Myriad Genetics, Inc.
Classification: Pathogenic for Familial cancer of breast. Last evaluated: 2024-02-01. Review status: criteria provided, single submitter. Criteria: Myriad Autosomal Dominant, Autosomal Recessive and X-Linked Classification Criteria (2023). Collection method: clinical testing. Allele origin: unknown.
Comment: This variant is considered pathogenic. This variant creates a termination codon and is predicted to result in premature protein truncation.

Baylor Genetics
Classification: Likely pathogenic for Familial cancer of breast. Last evaluated: 2022-11-02. Review status: criteria provided, single submitter. Criteria: ACMG Guidelines, 2015. Collection method: clinical testing. Allele origin: unknown.

NM_000051.4(ATM):c.7889T>G (p.Leu2630Ter)

Genes: ATM (ATM serine/threonine kinase; plus strand), C11orf65 (chromosome 11 open reading frame 65; minus strand). Cytogenetic location: 11q22.3.
Variant type: single nucleotide variant.
Coding change: c.7889T>G on transcript NM_000051.4 (MANE Select); coding-DNA position 7889, T replaced by G.
Protein change: p.Leu2630Ter; replaces leucine 2630 with a stop codon.
Molecular consequence: nonsense. On other transcripts: intron variant (2).
Genome position (GRCh38, 1-based): chr11:108,332,862, T>G. VCF-style: chr11-108332862-T-G. GRCh37 (hg19) VCF-style: chr11-108203589-T-G.
Other names: c.7889T>G, p.Leu2630Ter (NM_001351834.2); c.641-23791A>C (NM_001330368.2); c.*38+2358A>C (NM_001351110.2); short protein forms L2630*.
Identifiers: ClinVar variation 2679760 (VCV002679760.2), dbSNP rs1591178998, ClinGen allele CA382561451.